The following is an entry in ClinVar:

ClinVar aggregate classification (germline): Likely pathogenic (1 of 4 stars; one submission).

Conditions:
Nance-Horan syndrome (NHS). Identifiers: Orphanet 627, MedGen C0796085, MONDO:0010545, OMIM 302350.

Submission:

MGZ Medical Genetics Center
Classification: Likely pathogenic for Nance-Horan syndrome. Last evaluated: 2022-06-23. Review status: criteria provided, single submitter. Criteria: ACMG Guidelines, 2015. Collection method: clinical testing. Allele origin: germline. Affected: yes. Observed: 1 variant allele.
Comment: ACMG criteria applied: PVS1, PM2_SUP

NM_001291867.2(NHS):c.3937del (p.Glu1313fs)

Gene: NHS (NHS actin remodeling regulator; plus strand). Cytogenetic location: Xp22.13.
Variant type: Deletion.
Coding change: c.3937del on transcript NM_001291867.2 (MANE Select); coding-DNA position 3937, one base deleted (G; older notation c.3937delG).
Protein change: p.Glu1313fs; shifts the reading frame from glutamic acid 1313.
Molecular consequence: frameshift variant.
Genome position (GRCh38, 1-based): chrX:17,728,043, G deleted; the last of 2 consecutive G bases (chrX:17,728,042-17,728,043); deleting either gives the same sequence. VCF-style (leftmost placement, unchanged base first): chrX-17728041-AG-A. GRCh37 (hg19) VCF-style: chrX-17746161-AG-A.
Other names: c.3406del, p.Glu1136fs (NM_001136024.4); c.3343del, p.Glu1115fs (NM_001291868.2); c.3874del, p.Glu1292fs (NM_198270.4); short protein forms E1115fs, E1136fs, E1292fs, E1313fs.
Identifiers: ClinVar variation 1709574 (VCV001709574.2), dbSNP rs2519941885, ClinGen allele CA2580100404.